The following is an entry in ClinVar:

NM_000321.3(RB1):c.2608A>G (p.Lys870Glu)

Gene: RB1 (RB transcriptional corepressor 1; plus strand). Cytogenetic location: 13q14.2.
Variant type: single nucleotide variant.
Coding change: c.2608A>G on transcript NM_000321.3 (MANE Select); coding-DNA position 2608, A replaced by G.
Protein change: p.Lys870Glu; replaces lysine 870 with glutamic acid.
Molecular consequence: missense variant.
Genome position (GRCh38, 1-based): chr13:48,476,788, A>G. VCF-style: chr13-48476788-A-G. GRCh37 (hg19) VCF-style: chr13-49050924-A-G.
Other names: c.2608A>G, p.Lys870Glu (NM_001407165.1); c.58A>G, p.Lys20Glu (NM_001407168.1); short protein forms K20E, K870E.
Identifiers: ClinVar variation 4741784 (VCV004741784.1).

ClinVar aggregate classification (germline): Uncertain significance (1 of 4 stars; one submission).

Conditions:
Retinoblastoma (RB1). Also called: RETINOBLASTOMA, SOMATIC. Identifiers: Orphanet 790, MedGen C0035335, MeSH D012175, MONDO:0008380, OMIM 180200, HP:0009919. Disease mechanism: loss of function. Inheritance: Both sporadic and heritable forms are tested..

Submission:

Labcorp Genetics (formerly Invitae), Labcorp
Classification: Uncertain significance for Retinoblastoma. Last evaluated: 2025-12-21. Review status: criteria provided, single submitter. Criteria: Invitae Variant Classification Sherloc (09022015). Collection method: clinical testing. Allele origin: germline.
Comment: This sequence change replaces lysine, which is basic and polar, with glutamic acid, which is acidic and polar, at codon 870 of the RB1 protein (p.Lys870Glu). This variant is not present in population databases (gnomAD no frequency). This variant has not been reported in the literature in individuals affected with RB1-related conditions. Invitae Evidence Modeling of protein sequence and biophysical properties (such as structural, functional, and spatial information, amino acid conservation, physicochemical variation, residue mobility, and thermodynamic stability) indicates that this missense variant is expected to disrupt RB1 protein function with a positive predictive value of 80%. In summary, the available evidence is currently insufficient to determine the role of this variant in disease. Therefore, it has been classified as a Variant of Uncertain Significance.